The following is an entry in ClinVar:

NM_003982.4(SLC7A7):c.1262C>T (p.Pro421Leu)

Gene: SLC7A7 (solute carrier family 7 member 7; minus strand). Cytogenetic location: 14q11.2.
Variant type: single nucleotide variant.
Coding change: c.1262C>T on transcript NM_003982.4 (MANE Select); coding-DNA position 1262, C replaced by T.
Protein change: p.Pro421Leu; replaces proline 421 with leucine.
Molecular consequence: missense variant.
Genome position (GRCh38, 1-based): chr14:22,774,100, G>A on the plus strand (C>T on the coding strand, the complement: SLC7A7 is on the minus strand). VCF-style: chr14-22774100-G-A. GRCh37 (hg19) VCF-style: chr14-23243309-G-A.
Other names: c.1262C>T, p.Pro421Leu (NM_001126105.3, NM_001126106.4); short protein forms P421L.
Identifiers: ClinVar variation 529503 (VCV000529503.7), dbSNP rs756903324, ClinGen allele CA7104432.

ClinVar aggregate classification (germline): Uncertain significance. Review status: criteria provided, single submitter (1 of 4 stars). 2 submissions from 2 submitters: Uncertain significance (1). 1 of the submissions does not count toward it. Last evaluated 2022-07-06.

Conditions:
Lysinuric protein intolerance (LPI). Identifiers: Orphanet 470, MedGen C0268647, MONDO:0009109, OMIM 222700.

Allele frequency attached by ClinVar (database versions not stated): gnomAD exomes 0.00001; TOPMed 0.00002.
gnomAD v4.1: 22 of 1,614,098 alleles (0.0014%); highest among the groups gnomAD compares: Non-Finnish European, 0.0019%; no homozygotes.

Submissions (2):

Labcorp Genetics (formerly Invitae), Labcorp
Classification: Uncertain significance for Lysinuric protein intolerance. Last evaluated: 2022-07-06. Review status: criteria provided, single submitter. Criteria: Invitae Variant Classification Sherloc (09022015). Collection method: clinical testing. Allele origin: germline.
Comment: This sequence change replaces proline, which is neutral and non-polar, with leucine, which is neutral and non-polar, at codon 421 of the SLC7A7 protein (p.Pro421Leu). This variant is present in population databases (rs756903324, gnomAD 0.002%). This variant has not been reported in the literature in individuals affected with SLC7A7-related conditions. ClinVar contains an entry for this variant (Variation ID: 529503). Algorithms developed to predict the effect of missense changes on protein structure and function are either unavailable or do not agree on the potential impact of this missense change (SIFT: "Tolerated"; PolyPhen-2: "Possibly Damaging"; Align-GVGD: "Class C0"). In summary, the available evidence is currently insufficient to determine the role of this variant in disease. Therefore, it has been classified as a Variant of Uncertain Significance.

Natera, Inc.
Classification: Uncertain significance for Lysinuric protein intolerance. Last evaluated: 2019-11-11. Review status: no assertion criteria provided. Collection method: clinical testing. Allele origin: germline. Not counted in ClinVar's aggregate classification.